The following is an entry in ClinVar:

ClinVar aggregate classification (germline): Conflicting classifications of pathogenicity. Review status: criteria provided, conflicting classifications (1 of 4 stars). 3 submissions from 3 submitters: Uncertain significance (1); Likely benign (2). Last evaluated 2025-12-28.

Conditions:
Inborn genetic diseases. Identifiers: MedGen C0950123, MeSH D030342.
Epileptic encephalopathy. Identifiers: MedGen C0543888, HP:0200134.

Allele frequency attached by ClinVar (database versions not stated): gnomAD 0.00001 and 0.00002; ExAC 0.00002; gnomAD exomes 0.00002 and 0.00003; TOPMed 0.00003; 1000 Genomes Project 30x 0.00016; 1000 Genomes Project 0.00020; ESP Exome Variant Server 0.00023.
gnomAD v4.1: 33 of 1,601,756 alleles (0.0021%); highest among the groups gnomAD compares: East Asian, 0.0045%; no homozygotes.

Submissions (3):

Labcorp Genetics (formerly Invitae), Labcorp
Classification: Likely benign for Epileptic encephalopathy. Last evaluated: 2025-12-28. Review status: criteria provided, single submitter. Criteria: Invitae Variant Classification Sherloc (09022015). Collection method: clinical testing. Allele origin: germline.

Ambry Genetics
Classification: Uncertain significance for Inborn genetic diseases. Last evaluated: 2025-04-11. Review status: criteria provided, single submitter. Criteria: Ambry Variant Classification Scheme 2023. Collection method: clinical testing. Allele origin: germline.

CeGaT Center for Human Genetics Tuebingen
Classification: Likely benign. Last evaluated: 2024-06-01. Review status: criteria provided, single submitter. Criteria: CeGaT Center For Human Genetics Tuebingen Variant Classification Criteria Version 2. Collection method: clinical testing. Allele origin: germline. Affected: yes. Observed: 1 variant allele.
Comment: GABBR2: BP4

NM_005458.8(GABBR2):c.1865G>A (p.Arg622Gln)

Gene: GABBR2 (gamma-aminobutyric acid type B receptor subunit 2; minus strand). Cytogenetic location: 9q22.33.
Variant type: single nucleotide variant.
Coding change: c.1865G>A on transcript NM_005458.8 (MANE Select); coding-DNA position 1865, G replaced by A.
Protein change: p.Arg622Gln; replaces arginine 622 with glutamine.
Molecular consequence: missense variant.
Genome position (GRCh38, 1-based): chr9:98,362,743, C>T on the plus strand (G>A on the coding strand, the complement: GABBR2 is on the minus strand). VCF-style: chr9-98362743-C-T. GRCh37 (hg19) VCF-style: chr9-101125025-C-T.
Other names: c.1865G>A (NM_005458.7); short protein forms R622Q.
Identifiers: ClinVar variation 1390610 (VCV001390610.26), dbSNP rs139429887, ClinGen allele CA5152604.